The following is an entry in ClinVar:

ClinVar aggregate classification (germline): Uncertain significance. Review status: criteria provided, multiple submitters, no conflicts (2 of 4 stars). 3 submissions from 3 submitters: Uncertain significance (3). Last evaluated 2025-03-24.

Conditions:
Inborn genetic diseases. Identifiers: MedGen C0950123, MeSH D030342.
ATP8B1-related disorder. Also called: ATP8B1-related condition; ATP8B1-related disorders.

Allele frequency attached by ClinVar (database versions not stated): gnomAD 0.00011 and 0.00012; ExAC 0.00014; gnomAD exomes 0.00014 and 0.00025; TOPMed 0.00015; 1000 Genomes Project 30x 0.00016; 1000 Genomes Project 0.00020.
gnomAD v4.1: 388 of 1,611,310 alleles (0.024%); highest among the groups gnomAD compares: Non-Finnish European, 0.029%; no homozygotes.

Submissions (3):

PreventionGenetics, part of Exact Sciences
Classification: Uncertain significance for ATP8B1-related condition. Last evaluated: 2025-03-24. Review status: criteria provided, single submitter. Criteria: ACMG Guidelines, 2015. Collection method: clinical testing. Allele origin: germline.
Comment: The ATP8B1 c.3739C>T variant is predicted to result in the amino acid substitution p.Arg1247Cys. To our knowledge, this variant has not been reported in the literature. This variant is reported in 0.020% of alleles in individuals of European (non-Finnish) descent in gnomAD. At this time, the clinical significance of this variant is uncertain due to the absence of conclusive functional and genetic evidence.

Ambry Genetics
Classification: Uncertain significance for Inborn genetic diseases. Last evaluated: 2025-02-27. Review status: criteria provided, single submitter. Criteria: Ambry Variant Classification Scheme 2023. Collection method: clinical testing. Allele origin: germline.

Eurofins Ntd Llc (ga)
Classification: Uncertain significance. Last evaluated: 2017-11-20. Review status: criteria provided, single submitter. Criteria: EGL Classification Definitions 2015. Collection method: clinical testing. Allele origin: germline. Observed: 3 variant alleles, 3 heterozygotes.

NM_001374385.1(ATP8B1):c.3739C>T (p.Arg1247Cys)

Genes: ATP8B1 (ATPase phospholipid transporting 8B1; minus strand), ATP8B1-AS1 (ATP8B1 antisense RNA 1; plus strand). Cytogenetic location: 18q21.31.
Variant type: single nucleotide variant.
Coding change: c.3739C>T on transcript NM_001374385.1 (MANE Select); coding-DNA position 3739, C replaced by T.
Protein change: p.Arg1247Cys; replaces arginine 1247 with cysteine.
Molecular consequence: missense variant.
Genome position (GRCh38, 1-based): chr18:57,648,505, G>A on the plus strand (C>T on the coding strand, the complement: ATP8B1 is on the minus strand). VCF-style: chr18-57648505-G-A. GRCh37 (hg19) VCF-style: chr18-55315737-G-A.
Other names: c.3589C>T, p.Arg1197Cys (NM_001374386.1); c.3739C>T, p.Arg1247Cys (NM_005603.6); c.3739C>T (NM_005603.4); short protein forms R1247C, R1197C.
Identifiers: ClinVar variation 286337 (VCV000286337.10), dbSNP rs543866898, ClinGen allele CA8973920.